The following is an entry in ClinVar:

ClinVar aggregate classification (germline): Conflicting classifications of pathogenicity. Review status: criteria provided, conflicting classifications (1 of 4 stars). 16 submissions from 12 submitters: Uncertain significance (6); Benign (1); Likely benign (9). Last evaluated 2026-09-01.

Conditions:
TTN-related disorder. Also called: TTN-related disorders; TTN-related condition; TTN-related disease.
Autosomal recessive limb-girdle muscular dystrophy type 2J (LGMDR10). Also called: Limb-girdle muscular dystrophy, type 2J; MUSCULAR DYSTROPHY, LIMB-GIRDLE, AUTOSOMAL RECESSIVE 10. Identifiers: Orphanet 140922, MedGen C1837342, MONDO:0012127, OMIM 608807.
Dilated cardiomyopathy 1G (CMD1G). Identifiers: Orphanet 154, MedGen C1858763, MONDO:0011400, OMIM 604145.
Cardiomyopathy (CMYO). Also called: Cardiomyopathies. Identifiers: Orphanet 167848, MedGen C0878544, MONDO:0004994, HP:0001638. Inheritance: Various modes of inheritance.
Tibial muscular dystrophy (TMD). Also called: Udd Distal Myopathy – Tibial Muscular Dystrophy; UDD MYOPATHY; Tibial muscular dystrophy, tardive. Identifiers: Orphanet 609, MedGen C1838244, MONDO:0010870, OMIM 600334.
Early-onset myopathy with fatal cardiomyopathy (CMYO5). Also called: Salih Myopathy; CONGENITAL MYOPATHY 5 WITH CARDIOMYOPATHY. Identifiers: Orphanet 289377, MedGen C2673677, MONDO:0012714, OMIM 611705. Disease mechanism: loss of function.
Myopathy, myofibrillar, 9, with early respiratory failure (MFM9). Also called: Myopathy, distal, with early respiratory failure, autosomal dominant; EDSTROM MYOPATHY; MYOPATHY, PROXIMAL, WITH EARLY RESPIRATORY MUSCLE INVOLVEMENT; Hereditary myopathy with early respiratory failure. Identifiers: Orphanet 178464, Orphanet 34521, MedGen C1863599, MONDO:0011362, OMIM 603689.

Allele frequency attached by ClinVar (database versions not stated): gnomAD exomes 0.00009 and 0.00015; TOPMed 0.00010; gnomAD 0.00011 and 0.00012; ExAC 0.00014; ESP Exome Variant Server 0.00033.
gnomAD v4.1: 152 of 1,613,622 alleles (0.0094%); highest among the groups gnomAD compares: Middle Eastern, 0.066%; no homozygotes.

Submissions (16):

CeGaT Center for Human Genetics Tuebingen
Classification: Likely benign. Last evaluated: 2026-09-01. Review status: criteria provided, single submitter. Criteria: CeGaT Center For Human Genetics Tuebingen Variant Classification Criteria Version 2. Collection method: clinical testing. Allele origin: germline. Affected: yes. Observed: 5 variant alleles.
Comment: TTN: BP7

Labcorp Genetics (formerly Invitae), Labcorp
Classification: Likely benign for Dilated cardiomyopathy 1G; Autosomal recessive limb-girdle muscular dystrophy type 2J. Last evaluated: 2026-01-19. Review status: criteria provided, single submitter. Criteria: Invitae Variant Classification Sherloc (09022015). Collection method: clinical testing. Allele origin: germline.

PreventionGenetics, part of Exact Sciences
Classification: Uncertain significance for TTN-related condition. Last evaluated: 2025-08-30. Review status: criteria provided, single submitter. Criteria: ACMG Guidelines, 2015. Collection method: clinical testing. Allele origin: germline.
Comment: The TTN c.16551G>A variant is not predicted to result in an amino acid change (p.=). This variant is predicted to alter splicing based on available splicing prediction programs (SpliceAI, Jaganathan et al. 2019. PubMed ID: 30661751). However, the use of computer prediction programs is not equivalent to functional evidence. To our knowledge, this variant has not been reported in the literature. This variant is reported in 0.033% of alleles in individuals of South Asian descent in gnomAD. Although we suspect that this variant may be benign, at this time, the clinical significance of this variant is uncertain due to the absence of conclusive functional and genetic evidence.

Molecular Diagnostic Laboratory for Inherited Cardiovascular Disease, Montreal Heart Institute
Classification: Likely benign. Last evaluated: 2025-04-09. Review status: criteria provided, single submitter. Criteria: ACMG Guidelines, 2015. Collection method: clinical testing. Allele origin: germline. Affected: no.

Revvity Omics, Revvity
Classification: Uncertain significance. Last evaluated: 2025-03-24. Review status: criteria provided, single submitter. Criteria: ACMG Guidelines, 2015. Collection method: clinical testing. Allele origin: germline.

Women's Health and Genetics/Laboratory Corporation of America, LabCorp
Classification: Likely benign. Last evaluated: 2024-09-30. Review status: criteria provided, single submitter. Criteria: LabCorp Variant Classification Summary - May 2015. Collection method: clinical testing. Allele origin: germline.

Blueprint Genetics
Classification: Likely benign. Last evaluated: 2024-08-07. Review status: criteria provided, single submitter. Criteria: ACMG Guidelines, 2015. Collection method: clinical testing. Allele origin: germline.

GeneDx
Classification: Likely benign. Last evaluated: 2020-12-11. Review status: criteria provided, single submitter. Criteria: GeneDx Variant Classification Process June 2021. Collection method: clinical testing. Allele origin: germline. Affected: yes.

Eurofins Ntd Llc (ga)
Classification: Uncertain significance. Last evaluated: 2018-02-28. Review status: criteria provided, single submitter. Criteria: EGL ClinVar v180209 classification definitions. Collection method: clinical testing. Allele origin: germline. Observed: 4 variant alleles, 4 heterozygotes.

Illumina Laboratory Services, Illumina
Classification: Uncertain significance for Autosomal recessive limb-girdle muscular dystrophy type 2J. Last evaluated: 2018-01-12. Review status: criteria provided, single submitter. Criteria: ICSL Variant Classification Criteria 13 December 2019. Collection method: clinical testing. Allele origin: germline.

Illumina Laboratory Services, Illumina
Classification: Likely benign for Myopathy, myofibrillar, 9, with early respiratory failure. Last evaluated: 2018-01-12. Review status: criteria provided, single submitter. Criteria: ICSL Variant Classification Criteria 13 December 2019. Collection method: clinical testing. Allele origin: germline.
Comment: This variant was observed in the ICSL laboratory as part of a predisposition screen in an ostensibly healthy population. It had not been previously curated by ICSL or reported in the Human Gene Mutation Database (HGMD: prior to June 1st, 2018), and was therefore a candidate for classification through an automated scoring system. Utilizing variant allele frequency, disease prevalence and penetrance estimates, and inheritance mode, an automated score was calculated to assess if this variant is too frequent to cause the disease. Based on the score and internal cut-off values, a variant classified as likely benign is not then subjected to further curation. The score for this variant resulted in a classification of likely benign for this disease.

Illumina Laboratory Services, Illumina
Classification: Uncertain significance for Early-onset myopathy with fatal cardiomyopathy. Last evaluated: 2018-01-12. Review status: criteria provided, single submitter. Criteria: ICSL Variant Classification Criteria 13 December 2019. Collection method: clinical testing. Allele origin: germline.

Illumina Laboratory Services, Illumina
Classification: Benign for Tibial muscular dystrophy. Last evaluated: 2018-01-12. Review status: criteria provided, single submitter. Criteria: ICSL Variant Classification Criteria 13 December 2019. Collection method: clinical testing. Allele origin: germline.
Comment: This variant was observed in the ICSL laboratory as part of a predisposition screen in an ostensibly healthy population. It had not been previously curated by ICSL or reported in the Human Gene Mutation Database (HGMD: prior to June 1st, 2018), and was therefore a candidate for classification through an automated scoring system. Utilizing variant allele frequency, disease prevalence and penetrance estimates, and inheritance mode, an automated score was calculated to assess if this variant is too frequent to cause the disease. Based on the score and internal cut-off values, a variant classified as benign is not then subjected to further curation. The score for this variant resulted in a classification of benign for this disease.

Illumina Laboratory Services, Illumina
Classification: Uncertain significance for Dilated cardiomyopathy 1G. Last evaluated: 2018-01-12. Review status: criteria provided, single submitter. Criteria: ICSL Variant Classification Criteria 13 December 2019. Collection method: clinical testing. Allele origin: germline.

CHEO Genetics Diagnostic Laboratory, Children's Hospital of Eastern Ontario
Classification: Likely benign for Cardiomyopathy. Last evaluated: 2016-06-13. Review status: criteria provided, single submitter. Criteria: ACMG Guidelines, 2015. Collection method: clinical testing. Allele origin: germline. Study: Canadian Open Genetics Repository.

Laboratory for Molecular Medicine, Mass General Brigham Personalized Medicine
Classification: Likely benign. Last evaluated: 2015-11-12. Review status: criteria provided, single submitter. Criteria: LMM Criteria. Collection method: clinical testing. Allele origin: germline. Observed: 1 variant allele.
Comment: p.Ser4273Ser in exon 53 of TTN: This variant is not expected to have clinical si gnificance because it does not alter an amino acid residue and is not located wi thin the splice consensus sequence. It has been identified in 12/66488 European chromosomes and 5/16486 South Asian chromosomes by Exome Aggregation Consortium (ExAC).

NM_001267550.2(TTN):c.16551G>A (p.Ser5517=)

Gene: TTN (titin; minus strand). Cytogenetic location: 2q31.2.
Variant type: single nucleotide variant.
Coding change: c.16551G>A on transcript NM_001267550.2 (MANE Select); coding-DNA position 16551, G replaced by A.
Protein change: p.Ser5517=; no amino-acid change (serine 5517 retained).
Molecular consequence: synonymous variant. On other transcripts: intron variant (3).
Genome position (GRCh38, 1-based): chr2:178,732,510, C>T on the plus strand (G>A on the coding strand, the complement: TTN is on the minus strand). VCF-style: chr2-178732510-C-T. GRCh37 (hg19) VCF-style: chr2-179597237-C-T.
Other names: c.15600G>A, p.Ser5200= (NM_001256850.1); c.12819G>A, p.Ser4273= (NM_133378.4); c.13282+5572G>A (NM_003319.4); c.13858+5572G>A (NM_133437.4); c.13657+5572G>A (NM_133432.3).
Identifiers: ClinVar variation 197957 (VCV000197957.67), dbSNP rs376037792, ClinGen allele CA246372.